The following is an entry in ClinVar:

NC_000013.11:g.76992001G>A

Gene: CLN5 (CLN5 lysosomal BMP synthase; plus strand). Cytogenetic location: 13q22.3.
Variant type: single nucleotide variant.
Molecular consequence: missense variant (on NM_006493.2).
Genome position: GRCh38 VCF-style: chr13-76992001-G-A. GRCh37 (hg19) VCF-style: chr13-77566136-G-A.
Other names: c.50G>A, p.Gly17Glu (NM_006493.2); short protein forms G17E.
Identifiers: ClinVar variation 854290 (VCV000854290.8), dbSNP rs769990158, ClinGen allele CA7007081.

ClinVar aggregate classification (germline): Uncertain significance (1 of 4 stars; one submission).

Conditions:
Neuronal ceroid lipofuscinosis. Also called: Neuronal Ceroid Lipofuscinoses. Identifiers: Orphanet 216, Orphanet 79263, MedGen C0027877, MONDO:0016295. Disease mechanism: loss of function.

Submission:

Labcorp Genetics (formerly Invitae), Labcorp
Classification: Uncertain significance for Neuronal ceroid lipofuscinosis. Last evaluated: 2022-06-12. Review status: criteria provided, single submitter. Criteria: Invitae Variant Classification Sherloc (09022015). Collection method: clinical testing. Allele origin: germline.
Comment: This sequence change replaces glycine, which is neutral and non-polar, with glutamic acid, which is acidic and polar, at codon 17 of the CLN5 protein (p.Gly17Glu). The frequency data for this variant in the population databases is considered unreliable, as metrics indicate poor data quality at this position in the gnomAD database. This variant has not been reported in the literature in individuals affected with CLN5-related conditions. ClinVar contains an entry for this variant (Variation ID: 854290). Algorithms developed to predict the effect of missense changes on protein structure and function are either unavailable or do not agree on the potential impact of this missense change (SIFT: "Deleterious"; PolyPhen-2: "Probably Damaging"; Align-GVGD: "Class C0"). In summary, the available evidence is currently insufficient to determine the role of this variant in disease. Therefore, it has been classified as a Variant of Uncertain Significance.